The following is an entry in ClinVar:

ClinVar aggregate classification (germline): Uncertain significance (1 of 4 stars; one submission).

Conditions:
Kabuki syndrome. Also called: Kabuki make-up syndrome; NIIKAWA-KUROKI SYNDROME. Identifiers: Orphanet 2322, MedGen C0796004, MONDO:0016512.

Submission:

Labcorp Genetics (formerly Invitae), Labcorp
Classification: Uncertain significance for Kabuki syndrome. Last evaluated: 2024-01-26. Review status: criteria provided, single submitter. Criteria: Invitae Variant Classification Sherloc (09022015). Collection method: clinical testing. Allele origin: germline.
Comment: This sequence change replaces arginine, which is basic and polar, with histidine, which is basic and polar, at codon 1689 of the KMT2D protein (p.Arg1689His). This variant is not present in population databases (gnomAD no frequency). This variant has not been reported in the literature in individuals affected with KMT2D-related conditions. Advanced modeling of protein sequence and biophysical properties (such as structural, functional, and spatial information, amino acid conservation, physicochemical variation, residue mobility, and thermodynamic stability) has been performed at Invitae for this missense variant, however the output from this modeling did not meet the statistical confidence thresholds required to predict the impact of this variant on KMT2D protein function. In summary, the available evidence is currently insufficient to determine the role of this variant in disease. Therefore, it has been classified as a Variant of Uncertain Significance.

NM_003482.4(KMT2D):c.5066G>A (p.Arg1689His)

Gene: KMT2D (lysine methyltransferase 2D; minus strand). Cytogenetic location: 12q13.12.
Variant type: single nucleotide variant.
Coding change: c.5066G>A on transcript NM_003482.4 (MANE Select); coding-DNA position 5066, G replaced by A.
Protein change: p.Arg1689His; replaces arginine 1689 with histidine.
Molecular consequence: missense variant.
Genome position (GRCh38, 1-based): chr12:49,044,420, C>T on the plus strand (G>A on the coding strand, the complement: KMT2D is on the minus strand). VCF-style: chr12-49044420-C-T. GRCh37 (hg19) VCF-style: chr12-49438203-C-T.
Other names: short protein forms R1689H.
Identifiers: ClinVar variation 2815460 (VCV002815460.2), dbSNP rs2120583284, ClinGen allele CA384637665.